The following is an entry in ClinVar:

ClinVar aggregate classification (germline): Uncertain significance (1 of 4 stars; one submission).

Conditions:
Ataxia-telangiectasia syndrome (AT). Also called: LOUIS-BAR SYNDROME; Cerebello-oculocutaneous telangiectasia; Immunodeficiency with ataxia telangiectasia; Ataxia telangiectasia (A-T); Ataxia-telangiectasia, complementation group D; AT, COMPLEMENTATION GROUP C. Identifiers: Orphanet 100, MedGen C0004135, MONDO:0008840, OMIM 208900.

Submission:

Labcorp Genetics (formerly Invitae), Labcorp
Classification: Uncertain significance for Ataxia-telangiectasia syndrome. Last evaluated: 2021-04-07. Review status: criteria provided, single submitter. Criteria: Invitae Variant Classification Sherloc (09022015). Collection method: clinical testing. Allele origin: germline.
Comment: In summary, the available evidence is currently insufficient to determine the role of this variant in disease. Therefore, it has been classified as a Variant of Uncertain Significance. Algorithms developed to predict the effect of sequence changes on RNA splicing suggest that this variant may create or strengthen a splice site, but this prediction has not been confirmed by published transcriptional studies. This variant has not been reported in the literature in individuals with ATM-related conditions. This variant is not present in population databases (ExAC no frequency). This sequence change falls in intron 43 of the ATM gene. It does not directly change the encoded amino acid sequence of the ATM protein.

NM_000051.4(ATM):c.6345_6347+7dup

Genes: ATM (ATM serine/threonine kinase; plus strand), C11orf65 (chromosome 11 open reading frame 65; minus strand). Cytogenetic location: 11q22.3.
Variant type: Duplication.
Coding change: c.6345_6347+7dup on transcript NM_000051.4 (MANE Select); coding-DNA position 6345 through 7 bases into the intron after coding-DNA position 6347, 10 bases duplicated (CAGGTAAGAA; older notation c.6345_6347+7dupCAGGTAAGAA).
Molecular consequence: splice donor variant. On other transcripts: intron variant (2).
Genome position (GRCh38, 1-based): chr11:108,317,519-108,317,528, CAGGTAAGAA duplicated. VCF-style (leftmost placement, unchanged base first): chr11-108317518-T-TCAGGTAAGAA. GRCh37 (hg19) VCF-style: chr11-108188245-T-TCAGGTAAGAA.
Other names: c.6345_6347+7dup (NM_001351834.2); c.641-8457_641-8448dup (NM_001330368.2); c.*39-8457_*39-8448dup (NM_001351110.2).
Identifiers: ClinVar variation 1473331 (VCV001473331.9), dbSNP rs2136170862, ClinGen allele CA2573146687.
Genomic context (GRCh38, chr11:108,317,518, plus strand): 5'-TAGAAGAACTTCATTACCAAGCAGCATGGAGGAATATGCAGTGGGACCATTGCACTTCCG[T>TCAGGTAAGAA]CAGGTAAGAAATTTGACTTGATTTTTTTTTTTTTGCCTCTCTCCTCATTCTAAACAACAA-3'